The following is an entry in ClinVar:

NM_000875.5(IGF1R):c.921C>A (p.Cys307Ter)

Gene: IGF1R (insulin like growth factor 1 receptor; plus strand). Cytogenetic location: 15q26.3.
Variant type: single nucleotide variant.
Coding change: c.921C>A on transcript NM_000875.5 (MANE Select); coding-DNA position 921, C replaced by A.
Protein change: p.Cys307Ter; replaces cysteine 307 with a stop codon.
Molecular consequence: nonsense.
Genome position (GRCh38, 1-based): chr15:98,891,605, C>A. VCF-style: chr15-98891605-C-A. GRCh37 (hg19) VCF-style: chr15-99434834-C-A.
Other names: c.921C>A, p.Cys307Ter (NM_001291858.2); short protein forms C307*.
Identifiers: ClinVar variation 3371475 (VCV003371475.3).
Genomic context (GRCh38, chr15:98,891,605, plus strand): 5'-CGCCGAGAGCAGCGACTCCGAGGGGTTTGTGATCCACGACGGCGAGTGCATGCAGGAGTG[C>A]CCCTCGGGCTTCATCCGCAACGGCAGCCAGAGGTCAGTCGCGGCCACACGTGTGGTCACT-3'

ClinVar aggregate classification (germline): Pathogenic. Review status: criteria provided, multiple submitters, no conflicts (2 of 4 stars). 2 submissions from 2 submitters: Pathogenic (2). Last evaluated 2026-03-11.

Conditions:
Inborn genetic diseases. Identifiers: MedGen C0950123, MeSH D030342.

Submissions (2):

Ambry Genetics
Classification: Pathogenic for Inborn genetic diseases. Last evaluated: 2026-03-11. Review status: criteria provided, single submitter. Criteria: Ambry Variant Classification Scheme 2023. Collection method: clinical testing. Allele origin: germline.
Comment: The c.921C>A (p.C307*) alteration, located in exon 3 (coding exon 3) of the IGF1R gene, consists of a C to A substitution at nucleotide position 921. This changes the amino acid from a cysteine (C) to a stop codon at amino acid position 307. This variant is expected to result in loss of function by premature protein truncation or nonsense-mediated mRNA decay. This variant was not reported in population-based cohorts in the Genome Aggregation Database (gnomAD). Based on the available evidence, this alteration is classified as pathogenic.

GeneDx
Classification: Pathogenic. Last evaluated: 2025-06-06. Review status: criteria provided, single submitter. Criteria: GeneDx Variant Classification Process June 2021. Collection method: clinical testing. Allele origin: germline. Affected: yes.
Comment: Nonsense variant predicted to result in protein truncation or nonsense mediated decay in a gene for which loss of function is a known mechanism of disease; Not observed at significant frequency in large population cohorts (gnomAD); Has not been previously published as pathogenic or benign to our knowledge